The following is an entry in ClinVar:

NM_001009944.3(PKD1):c.12133A>G (p.Ile4045Val)

Gene: PKD1 (polycystin 1, transient receptor potential channel interacting; minus strand). Cytogenetic location: 16p13.3.
Variant type: single nucleotide variant.
Coding change: c.12133A>G on transcript NM_001009944.3 (MANE Select); coding-DNA position 12133, A replaced by G.
Protein change: p.Ile4045Val; replaces isoleucine 4045 with valine.
Molecular consequence: missense variant.
Genome position (GRCh38, 1-based): chr16:2,090,679, T>C on the plus strand (A>G on the coding strand, the complement: PKD1 is on the minus strand). VCF-style: chr16-2090679-T-C. GRCh37 (hg19) VCF-style: chr16-2140680-T-C.
Other names: c.12130A>G, p.Ile4044Val (NM_000296.4); short protein forms I4045V, I4044V.
Identifiers: ClinVar variation 256913 (VCV000256913.20), dbSNP rs10960, ClinGen allele CA7828814.

ClinVar aggregate classification (germline): Benign/Likely benign. Review status: criteria provided, multiple submitters, no conflicts (2 of 4 stars). 10 submissions from 10 submitters: Benign (8); Likely benign (1). 1 of the submissions does not count toward it. Last evaluated 2025-05-02.

Conditions:
Autosomal dominant polycystic kidney disease. Identifiers: Orphanet 730, MedGen C0085413, MONDO:0004691.
Polycystic kidney disease, adult type (PKD1). Also called: Polycystic Kidney, Autosomal Dominant; Polycystic Kidney Disease 1, Autosomal Dominant; Polycystic kidney disease 1; Polycystic kidney disease 1, severe; POLYCYSTIC KIDNEY DISEASE 1 WITH OR WITHOUT POLYCYSTIC LIVER DISEASE; POLYCYSTIC KIDNEY DISEASE, ADULT, TYPE I. Identifiers: MedGen C3149841, MONDO:0008263, OMIM 173900.
Polycystic kidney disease. Also called: Polycystic kidney dysplasia; Kidney, Polycystic. Identifiers: MedGen C0022680, MeSH D007690, MONDO:0020642, HP:0000113.

Allele frequency attached by ClinVar (database versions not stated): gnomAD exomes 0.18139; ExAC 0.19094; 1000 Genomes Project 0.25200; 1000 Genomes Project 30x 0.25937; gnomAD 0.28972 and 0.30294; TOPMed 0.29777; ESP Exome Variant Server 0.31104.
gnomAD v4.1: 307,649 of 1,611,784 alleles (19%); highest among the groups gnomAD compares: African/African-American, 58%; 37,119 homozygotes.

Submissions (10):

Women's Health and Genetics/Laboratory Corporation of America, LabCorp
Classification: Likely benign. Last evaluated: 2025-05-02. Review status: criteria provided, single submitter. Criteria: LabCorp Variant Classification Summary - May 2015. Collection method: clinical testing. Allele origin: germline.

Blueprint Genetics
Classification: Benign. Last evaluated: 2024-11-27. Review status: criteria provided, single submitter. Criteria: ACMG Guidelines, 2015. Collection method: clinical testing. Allele origin: germline.

Mayo Clinic Laboratories, Mayo Clinic
Classification: Benign. Last evaluated: 2022-03-09. Review status: criteria provided, single submitter. Criteria: ACMG Guidelines, 2015. Collection method: clinical testing. Allele origin: germline. Observed: 150 variant alleles.

ARUP Laboratories, Molecular Genetics and Genomics, ARUP Laboratories
Classification: Benign for Polycystic kidney disease, adult type. Last evaluated: 2020-07-07. Review status: criteria provided, single submitter. Criteria: ARUP Molecular Germline Variant Investigation Process. Collection method: clinical testing. Allele origin: germline.

GeneDx
Classification: Benign. Last evaluated: 2019-09-24. Review status: criteria provided, single submitter. Criteria: GeneDx Variant Classification Process June 2021. Collection method: clinical testing. Allele origin: germline. Affected: yes.
Comment: This variant is associated with the following publications: (PMID: 9521593, 22608885)

Molecular Genetics of Inherited Kidney Disorders Laboratory, Garvan Institute of Medical Research
Classification: Benign for Autosomal dominant polycystic kidney disease. Last evaluated: 2019-01-01. Review status: criteria provided, single submitter. Criteria: ACMG Guidelines, 2015. Collection method: research. Allele origin: germline. Affected: yes.

Athena Diagnostics
Classification: Benign for Polycystic kidney disease, adult type. Last evaluated: 2017-05-02. Review status: criteria provided, single submitter. Criteria: Athena Diagnostics Criteria. Collection method: clinical testing. Allele origin: germline.

Breakthrough Genomics
Classification: Benign. Review status: criteria provided, single submitter. Criteria: ACMG Guidelines, 2015. Collection method: not provided. Allele origin: germline. Inheritance: Autosomal dominant inheritance. Affected: yes.

PreventionGenetics, part of Exact Sciences
Classification: Benign. Review status: criteria provided, single submitter. Criteria: ACMG Guidelines, 2015. Collection method: clinical testing. Allele origin: germline.

Department of Pathology and Laboratory Medicine, Sinai Health System
Classification: Benign for Polycystic Kidney disease. Review status: no assertion criteria provided. Collection method: clinical testing. Allele origin: unknown. Affected: yes. Observed: 1 variant allele. Study: The Canadian Open Genetics Repository (COGR). Not counted in ClinVar's aggregate classification.
Comment: The c.12133A>G, p.Ile4045Val variant was identified in 19.09% of 22171 control alleles in the Exome Aggregation Consortium (March 14, 2016). According to ACMG guidelines for variant classification based on allele frequency, category BA1, this variant is considered benign and has not been further reviewed (Richards 2015).

Literature cited by the submitters: PubMed 9521593 (cited by Athena Diagnostics); PubMed 24374109 (cited by Athena Diagnostics).